The following is an entry in ClinVar:

NM_001372.4(DNAH9):c.5525G>A (p.Arg1842His)

Gene: DNAH9 (dynein axonemal heavy chain 9; plus strand). Cytogenetic location: 17p12.
Variant type: single nucleotide variant.
Coding change: c.5525G>A on transcript NM_001372.4 (MANE Select); coding-DNA position 5525, G replaced by A.
Protein change: p.Arg1842His; replaces arginine 1842 with histidine.
Molecular consequence: missense variant.
Genome position (GRCh38, 1-based): chr17:11,705,158, G>A. VCF-style: chr17-11705158-G-A. GRCh37 (hg19) VCF-style: chr17-11608475-G-A.
Other names: short protein forms R1842H.
Identifiers: ClinVar variation 2070548 (VCV002070548.6), dbSNP rs184471981, ClinGen allele CA8396017.

ClinVar aggregate classification (germline): Conflicting classifications of pathogenicity. Review status: criteria provided, conflicting classifications (1 of 4 stars). 3 submissions from 3 submitters: Uncertain significance (1); Likely benign (2). Last evaluated 2026-02-06.

Conditions:
Inborn genetic diseases. Identifiers: MedGen C0950123, MeSH D030342.
DNAH9-related disorder. Also called: DNAH9-related condition.

Allele frequency attached by ClinVar (database versions not stated): gnomAD exomes 0.00008; gnomAD 0.00011; TOPMed 0.00020; ExAC 0.00021; 1000 Genomes Project 30x 0.00031; 1000 Genomes Project 0.00040.
gnomAD v4.1: 137 of 1,614,124 alleles (0.0085%); highest among the groups gnomAD compares: East Asian, 0.2%; 1 homozygote.

Submissions (3):

PreventionGenetics, part of Exact Sciences
Classification: Likely benign for DNAH9-related condition. Last evaluated: 2026-02-06. Review status: criteria provided, single submitter. Criteria: ACMG Guidelines, 2015. Collection method: clinical testing. Allele origin: germline.
Comment: This variant is classified as likely benign based on ACMG/AMP sequence variant interpretation guidelines (Richards et al. 2015 PMID: 25741868, with internal and published modifications).

Labcorp Genetics (formerly Invitae), Labcorp
Classification: Likely benign. Last evaluated: 2026-01-12. Review status: criteria provided, single submitter. Criteria: Invitae Variant Classification Sherloc (09022015). Collection method: clinical testing. Allele origin: germline.

Ambry Genetics
Classification: Uncertain significance for Inborn genetic diseases. Last evaluated: 2021-10-06. Review status: criteria provided, single submitter. Criteria: Ambry Variant Classification Scheme 2023. Collection method: clinical testing. Allele origin: germline.